The following is an entry in ClinVar:

NM_001849.4(COL6A2):c.405C>T (p.Asp135=)

Gene: COL6A2 (collagen type VI alpha 2 chain; plus strand). Cytogenetic location: 21q22.3.
Variant type: single nucleotide variant.
Coding change: c.405C>T on transcript NM_001849.4 (MANE Select); coding-DNA position 405, C replaced by T.
Protein change: p.Asp135=; no amino-acid change (aspartic acid 135 retained).
Molecular consequence: synonymous variant.
Genome position (GRCh38, 1-based): chr21:46,112,268, C>T. VCF-style: chr21-46112268-C-T. GRCh37 (hg19) VCF-style: chr21-47532182-C-T.
Other names: c.405C>T, p.Asp135= (NM_058174.3, NM_058175.3).
Identifiers: ClinVar variation 4534430 (VCV004534430.6).

ClinVar aggregate classification (germline): Likely benign (1 of 4 stars; one submission).

Submission:

CeGaT Center for Human Genetics Tuebingen
Classification: Likely benign. Last evaluated: 2025-11-01. Review status: criteria provided, single submitter. Criteria: CeGaT Center For Human Genetics Tuebingen Variant Classification Criteria Version 2. Collection method: clinical testing. Allele origin: germline. Affected: yes. Observed: 1 variant allele.
Comment: COL6A2: PM2:Supporting, BP4, BP7